The following is an entry in ClinVar:

ClinVar aggregate classification (germline): Uncertain significance (1 of 4 stars; one submission).

Conditions:
TTN-related disorder. Also called: TTN-related condition; TTN-related disease; TTN-related disorders.

Allele frequency attached by ClinVar (database versions not stated): ExAC 0.00003; gnomAD 0.00004; ESP Exome Variant Server 0.00008; 1000 Genomes Project 0.00060; 1000 Genomes Project 30x 0.00062.
gnomAD v4.1: 7 of 1,613,672 alleles (0.00043%); highest among the groups gnomAD compares: African/African-American, 0.0067%; no homozygotes.

Submission:

PreventionGenetics, part of Exact Sciences
Classification: Uncertain significance for TTN-related condition. Last evaluated: 2023-04-19. Review status: criteria provided, single submitter. Criteria: ACMG Guidelines, 2015. Collection method: clinical testing. Allele origin: germline.
Comment: The TTN c.3955T>A variant is predicted to result in the amino acid substitution p.Leu1319Ile. To our knowledge, this variant has not been reported in the literature. This variant is reported in 0.026% of alleles in individuals of African descent in gnomAD. At this time, the clinical significance of this variant is uncertain due to the absence of conclusive functional and genetic evidence.

NM_001267550.2(TTN):c.3955T>A (p.Leu1319Ile)

Genes: TTN (titin; minus strand), LOC101927055 (uncharacterized LOC101927055; plus strand). Cytogenetic location: 2q31.2.
Variant type: single nucleotide variant.
Coding change: c.3955T>A on transcript NM_001267550.2 (MANE Select); coding-DNA position 3955, T replaced by A.
Protein change: p.Leu1319Ile; replaces leucine 1319 with isoleucine.
Molecular consequence: missense variant.
Genome position (GRCh38, 1-based): chr2:178,779,237, A>T on the plus strand (T>A on the coding strand, the complement: TTN is on the minus strand). VCF-style: chr2-178779237-A-T. GRCh37 (hg19) VCF-style: chr2-179643964-A-T.
Other names: c.3817T>A, p.Leu1273Ile (NM_003319.4, NM_133432.3, NM_133437.4); c.3955T>A, p.Leu1319Ile (NM_133378.4, NM_133379.5, NM_001256850.1); short protein forms L1273I, L1319I.
Identifiers: ClinVar variation 2628540 (VCV002628540.1), dbSNP rs376633286, ClinGen allele CA2005442.
Genomic context (GRCh38, chr2:178,779,237, plus strand): 5'-CAATTTGTATCTTTACTGTGGCAAGGAGCTATGATAAATGTTTATATTTTACCTTTGGTA[A>T]TGGATATCCAGACATCTTGCAATGAAAAGTGACACCCATCCCCTCAAGAATTCTATAATT-3'
Protein context (NP_001254479.2, residues 1309-1329): TFHCKMSGYP[Leu1319Ile]PKIAWYKDGK